The following is an entry in ClinVar:

ClinVar aggregate classification (germline): Pathogenic (1 of 4 stars; one submission).

Conditions:
Oligodontia-cancer predisposition syndrome. Also called: TOOTH AGENESIS-COLORECTAL CANCER SYNDROME. Identifiers: Orphanet 300576, MedGen C1837750, MONDO:0012075, OMIM 608615. Disease mechanism: loss of function.

Submission:

Labcorp Genetics (formerly Invitae), Labcorp
Classification: Pathogenic for Oligodontia-cancer predisposition syndrome. Last evaluated: 2019-02-09. Review status: criteria provided, single submitter. Criteria: Invitae Variant Classification Sherloc (09022015). Collection method: clinical testing. Allele origin: germline.
Comment: This variant is not present in population databases (ExAC no frequency). This sequence change creates a premature translational stop signal (p.Asn58Thrfs*18) in the AXIN2 gene. It is expected to result in an absent or disrupted protein product. This variant has not been reported in the literature in individuals with AXIN2-related conditions. For these reasons, this variant has been classified as Pathogenic. Loss-of-function variants in AXIN2 are known to be pathogenic (PMID: 15042511, 21416598).

Literature cited by the submitters: PubMed 15042511; PubMed 21416598.

NM_004655.4(AXIN2):c.173del (p.Asn58fs)

Gene: AXIN2 (axin 2; minus strand). Cytogenetic location: 17q24.1.
Variant type: Deletion.
Coding change: c.173del on transcript NM_004655.4 (MANE Select); coding-DNA position 173, one base deleted (A; older notation c.173delA).
Protein change: p.Asn58fs; shifts the reading frame from asparagine 58.
Molecular consequence: frameshift variant.
Genome position (GRCh38, 1-based): chr17:65,558,448, T deleted on the plus strand (A on the coding strand, the reverse complement: AXIN2 is on the minus strand); the first of 2 consecutive T bases (chr17:65,558,448-65,558,449); deleting either gives the same sequence. VCF-style (leftmost placement, unchanged base first): chr17-65558447-GT-G. GRCh37 (hg19) VCF-style: chr17-63554565-GT-G.
Other names: c.173del, p.Asn58fs (NM_001363813.1); short protein forms N58fs.
Identifiers: ClinVar variation 858539 (VCV000858539.7), dbSNP rs2044308192, ClinGen allele CA916081917.